The following is an entry in ClinVar:

NM_030962.4(SBF2):c.3722C>A (p.Ala1241Asp)

Gene: SBF2 (SET binding factor 2; minus strand). Cytogenetic location: 11p15.4.
Variant type: single nucleotide variant.
Coding change: c.3722C>A on transcript NM_030962.4 (MANE Select); coding-DNA position 3722, C replaced by A.
Protein change: p.Ala1241Asp; replaces alanine 1241 with aspartic acid.
Molecular consequence: missense variant.
Genome position (GRCh38, 1-based): chr11:9,829,427, G>T on the plus strand (C>A on the coding strand, the complement: SBF2 is on the minus strand). VCF-style: chr11-9829427-G-T. GRCh37 (hg19) VCF-style: chr11-9850974-G-T.
Other names: c.3722C>A, p.Ala1241Asp (NM_001386339.1); c.3593C>A, p.Ala1198Asp (NM_001386342.1); short protein forms A1198D, A1241D.
Identifiers: ClinVar variation 1462361 (VCV001462361.8), dbSNP rs779174513, ClinGen allele CA5881180.
Genomic context (GRCh38, chr11:9,829,427, plus strand): 5'-GCAAAGGCTGGCCTGACAGTAAGAGTGCTGTTGCCTCTGAGTTTCTGATGGACAGAAACA[G>T]CATTCAGTAAGGCTTGCAAGTATTTCTCTTGTTCTATGCTACTGGAAGATTCTAAAGAGG-3'
Protein context (NP_112224.1, residues 1231-1251): QEKYLQALLN[Ala1241Asp]VSVHQKLRGN

ClinVar aggregate classification (germline): Uncertain significance (1 of 4 stars; one submission).

Conditions:
Charcot-Marie-Tooth disease type 4. Also called: Charcot-Marie-Tooth, Type 4; Charcot-Marie-Tooth disease, type IV. Identifiers: Orphanet 64749, MedGen C4082197, MONDO:0018995.

Allele frequency attached by ClinVar (database versions not stated): gnomAD exomes below 0.00001 and 0.00002; ExAC 0.00001.
gnomAD v4.1: 21 of 1,613,140 alleles (0.0013%); highest among the groups gnomAD compares: Non-Finnish European, 0.0018%; no homozygotes.

Submission:

Labcorp Genetics (formerly Invitae), Labcorp
Classification: Uncertain significance for Charcot-Marie-Tooth disease type 4. Last evaluated: 2021-02-14. Review status: criteria provided, single submitter. Criteria: Invitae Variant Classification Sherloc (09022015). Collection method: clinical testing. Allele origin: germline.
Comment: In summary, the available evidence is currently insufficient to determine the role of this variant in disease. Therefore, it has been classified as a Variant of Uncertain Significance. Algorithms developed to predict the effect of missense changes on protein structure and function (SIFT, PolyPhen-2, Align-GVGD) all suggest that this variant is likely to be tolerated, but these predictions have not been confirmed by published functional studies and their clinical significance is uncertain. This variant has not been reported in the literature in individuals with SBF2-related conditions. This variant is present in population databases (rs779174513, ExAC 0.001%). This sequence change replaces alanine with aspartic acid at codon 1241 of the SBF2 protein (p.Ala1241Asp). The alanine residue is moderately conserved and there is a moderate physicochemical difference between alanine and aspartic acid.